The following is an entry in ClinVar:

NM_000263.4(NAGLU):c.37C>T (p.Leu13Phe)

Genes: NAGLU (N-acetyl-alpha-glucosaminidase; plus strand), LOC130060903 (ATAC-STARR-seq lymphoblastoid silent region 8533; plus strand). Cytogenetic location: 17q21.2.
Variant type: single nucleotide variant.
Coding change: c.37C>T on transcript NM_000263.4 (MANE Select); coding-DNA position 37, C replaced by T.
Protein change: p.Leu13Phe; replaces leucine 13 with phenylalanine.
Molecular consequence: missense variant.
Genome position (GRCh38, 1-based): chr17:42,536,309, C>T. VCF-style: chr17-42536309-C-T. GRCh37 (hg19) VCF-style: chr17-40688327-C-T.
Other names: short protein forms L13F.
Identifiers: ClinVar variation 2177847 (VCV002177847.2), dbSNP rs1032042327, ClinGen allele CA290771208.

ClinVar aggregate classification (germline): Uncertain significance (1 of 4 stars; one submission).

Conditions:
Charcot-Marie-Tooth disease axonal type 2V. Also called: CHARCOT-MARIE-TOOTH NEUROPATHY, TYPE 2V; CHARCOT-MARIE-TOOTH DISEASE, AXONAL, AUTOSOMAL DOMINANT, TYPE 2V. Identifiers: Orphanet 447964, MedGen C5569050, MONDO:0014665, OMIM 616491.
Mucopolysaccharidosis, MPS-III-B (MPS3B). Also called: N-ACETYL-ALPHA-D-GLUCOSAMINIDASE DEFICIENCY; NAGLU DEFICIENCY; SANFILIPPO SYNDROME B; MPS III B; MUCOPOLYSACCHARIDOSIS, TYPE IIIB; MPS IIIB (Sanfilippo Syndrome Type B). Identifiers: Orphanet 79270, MedGen C0086648, MONDO:0009656, OMIM 252920.

Allele frequency attached by ClinVar (database versions not stated): gnomAD 0.00003; TOPMed 0.00004.
gnomAD v4.1: 5 of 1,218,990 alleles (0.00041%); highest among the groups gnomAD compares: African/African-American, 0.0063%; no homozygotes.

Submission:

Labcorp Genetics (formerly Invitae), Labcorp
Classification: Uncertain significance for Charcot-Marie-Tooth disease axonal type 2V; Mucopolysaccharidosis, MPS-III-B. Last evaluated: 2024-01-02. Review status: criteria provided, single submitter. Criteria: Invitae Variant Classification Sherloc (09022015). Collection method: clinical testing. Allele origin: germline.
Comment: This sequence change replaces leucine, which is neutral and non-polar, with phenylalanine, which is neutral and non-polar, at codon 13 of the NAGLU protein (p.Leu13Phe). This variant is not present in population databases (gnomAD no frequency). This variant has not been reported in the literature in individuals affected with NAGLU-related conditions. ClinVar contains an entry for this variant (Variation ID: 2177847). Experimental studies and prediction algorithms are not available or were not evaluated, and the functional significance of this variant is currently unknown. In summary, the available evidence is currently insufficient to determine the role of this variant in disease. Therefore, it has been classified as a Variant of Uncertain Significance.